The following is an entry in ClinVar:

NM_001395254.1(ZNF185):c.115A>G (p.Lys39Glu)

Gene: ZNF185 (zinc finger protein 185 with LIM domain; plus strand). Cytogenetic location: Xq28.
Variant type: single nucleotide variant.
Coding change: c.115A>G on transcript NM_001395254.1 (MANE Select); coding-DNA position 115, A replaced by G.
Protein change: p.Lys39Glu; replaces lysine 39 with glutamic acid.
Molecular consequence: missense variant.
Genome position (GRCh38, 1-based): chrX:152,914,790, A>G. VCF-style: chrX-152914790-A-G. GRCh37 (hg19) VCF-style: chrX-152083334-A-G.
Other names: c.115A>G, p.Lys39Glu (NM_001178106.1, NM_001178107.1, NM_001178108.2 and 4 more transcripts); short protein forms K39E.
Identifiers: ClinVar variation 4866924 (VCV004866924.1).

ClinVar aggregate classification (germline): Uncertain significance (1 of 4 stars; one submission).

gnomAD v4.1: 7 of 1,189,045 alleles (0.00059%); highest among the groups gnomAD compares: Middle Eastern, 0.023%; no homozygotes.

Submission:

Ambry Genetics
Classification: Uncertain significance. Last evaluated: 2026-03-17. Review status: criteria provided, single submitter. Criteria: Ambry Variant Classification Scheme 2023. Collection method: clinical testing. Allele origin: germline.
Comment: The c.115A>G (p.K39E) alteration is located in exon 2 (coding exon 2) of the ZNF185 gene. This alteration results from a A to G substitution at nucleotide position 115, causing the lysine (K) at amino acid position 39 to be replaced by a glutamic acid (E). Based on data from gnomAD, the G allele has an overall frequency of 0.001% (2/140201) total alleles studied. The highest observed frequency was 0.003% (2/58926) of European (non-Finnish) alleles. Based on insufficient or conflicting evidence, the clinical significance of this alteration remains unclear.